The following is an entry in ClinVar:

ClinVar aggregate classification (germline): Uncertain significance. Review status: criteria provided, multiple submitters, no conflicts (2 of 4 stars). 2 submissions from 2 submitters: Uncertain significance (2). Last evaluated 2023-08-16.

Conditions:
Cardiovascular phenotype. Identifiers: MedGen CN230736.
Brugada syndrome 8 (BRGDA8). Identifiers: Orphanet 130, MedGen C2751083, MONDO:0013148, OMIM 613123.

Submissions (2):

Labcorp Genetics (formerly Invitae), Labcorp
Classification: Uncertain significance for Brugada syndrome 8. Last evaluated: 2023-08-16. Review status: criteria provided, single submitter. Criteria: Invitae Variant Classification Sherloc (09022015). Collection method: clinical testing. Allele origin: germline.
Comment: This sequence change replaces glycine, which is neutral and non-polar, with arginine, which is basic and polar, at codon 91 of the HCN4 protein (p.Gly91Arg). This variant is not present in population databases (gnomAD no frequency). This variant has not been reported in the literature in individuals affected with HCN4-related conditions. ClinVar contains an entry for this variant (Variation ID: 1512477). Advanced modeling of protein sequence and biophysical properties (such as structural, functional, and spatial information, amino acid conservation, physicochemical variation, residue mobility, and thermodynamic stability) performed at Invitae indicates that this missense variant is not expected to disrupt HCN4 protein function. In summary, the available evidence is currently insufficient to determine the role of this variant in disease. Therefore, it has been classified as a Variant of Uncertain Significance.

Ambry Genetics
Classification: Uncertain significance for Cardiovascular phenotype. Last evaluated: 2023-06-04. Review status: criteria provided, single submitter. Criteria: Ambry Variant Classification Scheme 2023. Collection method: clinical testing. Allele origin: germline.
Comment: The p.G91R variant (also known as c.271G>C), located in coding exon 1 of the HCN4 gene, results from a G to C substitution at nucleotide position 271. The glycine at codon 91 is replaced by arginine, an amino acid with dissimilar properties. This amino acid position is conserved. In addition, the in silico prediction for this alteration is inconclusive. Since supporting evidence is limited at this time, the clinical significance of this alteration remains unclear.

NM_005477.3(HCN4):c.271G>C (p.Gly91Arg)

Gene: HCN4 (hyperpolarization activated cyclic nucleotide gated potassium channel 4; minus strand). Cytogenetic location: 15q24.1.
Variant type: single nucleotide variant.
Coding change: c.271G>C on transcript NM_005477.3 (MANE Select); coding-DNA position 271, G replaced by C.
Protein change: p.Gly91Arg; replaces glycine 91 with arginine.
Molecular consequence: missense variant.
Genome position (GRCh38, 1-based): chr15:73,368,000, C>G on the plus strand (G>C on the coding strand, the complement: HCN4 is on the minus strand). VCF-style: chr15-73368000-C-G. GRCh37 (hg19) VCF-style: chr15-73660341-C-G.
Other names: c.271G>C (NM_005477.2); short protein forms G91R.
Identifiers: ClinVar variation 1512477 (VCV001512477.7), dbSNP rs746252218, ClinGen allele CA393098529.